The following is an entry in ClinVar:

NM_024757.5(EHMT1):c.190A>T (p.Ser64Cys)

Gene: EHMT1 (euchromatic histone lysine methyltransferase 1; plus strand). Cytogenetic location: 9q34.3.
Variant type: single nucleotide variant.
Coding change: c.190A>T on transcript NM_024757.5 (MANE Select); coding-DNA position 190, A replaced by T.
Protein change: p.Ser64Cys; replaces serine 64 with cysteine.
Molecular consequence: missense variant.
Genome position (GRCh38, 1-based): chr9:137,716,730, A>T. VCF-style: chr9-137716730-A-T. GRCh37 (hg19) VCF-style: chr9-140611182-A-T.
Other names: c.190A>T, p.Ser64Cys (NM_001145527.2, NM_001354263.2, NM_001354611.2); c.97A>T, p.Ser33Cys (NM_001354259.2, NM_001354612.2); short protein forms S33C, S64C.
Identifiers: ClinVar variation 1705117 (VCV001705117.2), dbSNP rs1945348553, ClinGen allele CA375763016.

ClinVar aggregate classification (germline): Uncertain significance. Review status: criteria provided, multiple submitters, no conflicts (2 of 4 stars). 2 submissions from 2 submitters: Uncertain significance (2). Last evaluated 2025-10-23.

Conditions:
Kleefstra syndrome 1 (KLEFS1). Identifiers: Orphanet 261494, MedGen C0795833, MONDO:0027407, OMIM 610253.

Submissions (2):

Labcorp Genetics (formerly Invitae), Labcorp
Classification: Uncertain significance for Kleefstra syndrome 1. Last evaluated: 2025-10-23. Review status: criteria provided, single submitter. Criteria: Invitae Variant Classification Sherloc (09022015). Collection method: clinical testing. Allele origin: germline.
Comment: This sequence change replaces serine, which is neutral and polar, with cysteine, which is neutral and slightly polar, at codon 64 of the EHMT1 protein (p.Ser64Cys). This variant is not present in population databases (gnomAD no frequency). This variant has not been reported in the literature in individuals affected with EHMT1-related conditions. ClinVar contains an entry for this variant (Variation ID: 1705117). An algorithm developed to predict the effect of missense changes on protein structure and function (PolyPhen-2) suggests that this variant is likely to be tolerated. In summary, the available evidence is currently insufficient to determine the role of this variant in disease. Therefore, it has been classified as a Variant of Uncertain Significance.

Women's Health and Genetics/Laboratory Corporation of America, LabCorp
Classification: Uncertain significance. Last evaluated: 2022-08-16. Review status: criteria provided, single submitter. Criteria: LabCorp Variant Classification Summary - May 2015. Collection method: clinical testing. Allele origin: germline.
Comment: Variant summary: EHMT1 c.190A>T (p.Ser64Cys) results in a non-conservative amino acid change in the encoded protein sequence. Three of five in-silico tools predict a benign effect of the variant on protein function. The variant was absent in 250216 control chromosomes (gnomAD). The available data on variant occurrences in the general population are insufficient to allow any conclusion about variant significance. To our knowledge, no occurrence of c.190A>T in individuals affected with Kleefstra Syndrome and no experimental evidence demonstrating its impact on protein function have been reported. No clinical diagnostic laboratories have submitted clinical-significance assessments for this variant to ClinVar after 2014. Based on the evidence outlined above, the variant was classified as uncertain significance.